The following is an entry in ClinVar:

ClinVar aggregate classification (germline): Pathogenic. Review status: criteria provided, multiple submitters, no conflicts (2 of 4 stars). 3 submissions from 3 submitters: Pathogenic (2). 1 of the submissions does not count toward it. Last evaluated 2025-01-20.

Conditions:
Poirier-Bienvenu neurodevelopmental syndrome (POBINDS). Identifiers: Orphanet 689397, MedGen C5231482, MONDO:0032889, OMIM 618732.

Submissions (3):

Victorian Clinical Genetics Services, Murdoch Childrens Research Institute
Classification: Pathogenic for Poirier-Bienvenu neurodevelopmental syndrome. Last evaluated: 2025-01-20. Review status: criteria provided, single submitter. Criteria: ACMG Guidelines, 2015. Collection method: clinical testing. Allele origin: germline. Affected: yes.
Comment: This variant is classified as Pathogenic. Evidence in support of pathogenic classification: Variant is predicted to cause nonsense-mediated decay (NMD) and loss of protein (premature termination codon is located at least 54 nucleotides upstream of the final exon-exon junction); Variant is absent from gnomAD (v2, v3 and v4); This variant has limited previous evidence of pathogenicity in an unrelated individual(s). This variant has been classified as pathogenic by a diagnostic laboratory in ClinVar; Other NMD-predicted variant(s) comparable to the one identified in this case have very strong previous evidence for pathogenicity (ClinVar); Additional information: This variant is heterozygous; This gene is associated with autosomal dominant disease; Loss of function is a known mechanism of disease in this gene and is associated with Poirier-Bienvenu neurodevelopmental syndrome (MIM#618732). Dominant negative is a suggested mechanism for missense variants (PMID: 35571680).

GeneDx
Classification: Pathogenic. Last evaluated: 2022-02-28. Review status: criteria provided, single submitter. Criteria: GeneDx Variant Classification Process June 2021. Collection method: clinical testing. Allele origin: germline. Affected: yes.
Comment: Nonsense variant predicted to result in protein truncation or nonsense mediated decay in a gene for which loss-of-function is a known mechanism of disease; Not observed in large population cohorts (gnomAD); Has not been previously published as pathogenic or benign to our knowledge

Department of Neurology, Children's Hospital of Nanjing Medical University
Classification: Pathogenic for Poirier-Bienvenu neurodevelopmental syndrome. Last evaluated: 2022-11-10. Review status: no assertion criteria provided. Collection method: clinical testing. Allele origin: de novo. Inheritance: Autosomal dominant inheritance. Affected: yes. Observed: 1 variant allele, 1 heterozygote. Not counted in ClinVar's aggregate classification.
Comment: The LOF variant has been determined to be a Null variant [nonsense/frameshift/deletion/tandem duplication] in a gene for which LOF is a known disease mechanism, likely introducing a premature termination codon in biologically relevant exons and leading to nonsense-mediated mRNA decay (NMD). This variant has been detected as de novo in one or more phenotypically relevant families with confirmed pedigree relationships, meeting the criterion 2 ≤ PS2-Case_Score < 4. The allele frequency in population databases is less than 0.0005.

Literature cited by the submitters: PubMed 35571680 (cited by Victorian Clinical Genetics Services, Murdoch Childrens Research Institute).

NM_001320.7(CSNK2B):c.474C>G (p.Tyr158Ter)

Gene: CSNK2B (casein kinase 2 beta; plus strand). Cytogenetic location: 6p21.33.
Variant type: single nucleotide variant.
Coding change: c.474C>G on transcript NM_001320.7 (MANE Select); coding-DNA position 474, C replaced by G.
Protein change: p.Tyr158Ter; replaces tyrosine 158 with a stop codon.
Molecular consequence: nonsense.
Genome position (GRCh38, 1-based): chr6:31,669,425, C>G. VCF-style: chr6-31669425-C-G. GRCh37 (hg19) VCF-style: chr6-31637202-C-G.
Other names: c.465C>G, p.Tyr155Ter (NM_001282385.2); short protein forms Y155*, Y158*.
Identifiers: ClinVar variation 1343861 (VCV001343861.5), dbSNP rs2151188903, ClinGen allele CA363477017.
Genomic context (GRCh38, chr6:31,669,425, plus strand): 5'-CAAGTGCATGGATGTGTACACACCCAAGTCATCAAGACACCATCACACGGATGGCGCCTA[C>G]TTCGGCACTGGTTTCCCTCACATGCTCTTCATGGTGCATCCCGAGTACCGGCCCAAGAGA-3'